The following is an entry in ClinVar:

NM_002474.3(MYH11):c.5220G>T (p.Gln1740His)

Genes: NDE1 (nudE neurodevelopment protein 1; plus strand), MYH11 (myosin heavy chain 11; minus strand). Cytogenetic location: 16p13.11.
Variant type: single nucleotide variant.
Coding change: c.5220G>T on transcript NM_002474.3 (MANE Select); coding-DNA position 5220, G replaced by T.
Protein change: p.Gln1740His; replaces glutamine 1740 with histidine.
Molecular consequence: missense variant. On other transcripts: intron variant (2).
Genome position (GRCh38, 1-based): chr16:15,718,390, C>A on the plus strand (G>T on the coding strand, the complement: MYH11 is on the minus strand). VCF-style: chr16-15718390-C-A. GRCh37 (hg19) VCF-style: chr16-15812247-C-A.
Other names: c.5241G>T, p.Gln1747His (NM_001040113.2, NM_001040114.2); c.5220G>T, p.Gln1740His (NM_022844.3); c.948-5801C>A (NM_001143979.2, NM_017668.3); short protein forms Q1740H, Q1747H.
Identifiers: ClinVar variation 920236 (VCV000920236.5), dbSNP rs2040283176, ClinGen allele CA394850195.

ClinVar aggregate classification (germline): Uncertain significance (1 of 4 stars; one submission).

Conditions:
Familial thoracic aortic aneurysm and aortic dissection (TAAD). Also called: Thoracic aortic aneurysms and dissections. Identifiers: Orphanet 91387, MedGen C4707243, MONDO:0019625.

Submission:

Color Diagnostics, LLC DBA Color Health
Classification: Uncertain significance for Familial thoracic aortic aneurysm and aortic dissection. Last evaluated: 2023-12-05. Review status: criteria provided, single submitter. Criteria: ACMG Guidelines, 2015. Collection method: clinical testing. Allele origin: germline.
Comment: Variant of Uncertain Significance due to insufficient evidence: This missense variant is located in the coiled coil myosin tail domain of the MYH11 protein. Computational prediction tools and conservation analyses suggest that this variant may not impact the protein function. Computational splicing tools suggest that this variant may not impact RNA splicing. To our knowledge, functional assays have not been performed for this variant nor has this variant been reported in individuals affected with cardiovascular disorders in the literature. This variant is rare in the general population and has been identified in 0/277264 chromosomes by the Genome Aggregation Database (gnomAD). Available evidence is insufficient to determine the pathogenicity of this variant conclusively.